The following is an entry in ClinVar:

ClinVar aggregate classification (germline): Likely benign (1 of 4 stars; one submission).

Submission:

Women's Health and Genetics/Laboratory Corporation of America, LabCorp
Classification: Likely benign. Last evaluated: 2026-02-05. Review status: criteria provided, single submitter. Criteria: LabCorp Variant Classification Summary - May 2015. Collection method: clinical testing. Allele origin: germline.
Comment: Variant summary: CD3E c.50-17dupT alters a non-conserved nucleotide located at a position not widely known to affect splicing. Consensus agreement among computation tools predict no significant impact on normal splicing. However, these predictions have yet to be confirmed by functional studies. The frequency data for this variant in gnomAD is considered unreliable, as metrics indicate poor data quality at this position. To our knowledge, no occurrence of c.50-17dupT in individuals affected with CD3E-related conditions and no experimental evidence demonstrating its impact on protein function have been reported. No submitters have cited clinical-significance assessments for this variant to ClinVar. Based on the evidence outlined above, the variant was classified as likely benign.

NM_000733.4(CD3E):c.50-17dup

Gene: CD3E (CD3 epsilon subunit of T-cell receptor complex; plus strand). Cytogenetic location: 11q23.3.
Variant type: Duplication.
Coding change: c.50-17dup on transcript NM_000733.4 (MANE Select); 17 bases into the intron before coding-DNA position 50, one base duplicated (T; older notation c.50-17dupT).
Molecular consequence: intron variant.
Genome position (GRCh38, 1-based): chr11:118,307,271, T duplicated; the last of 9 consecutive T bases (chr11:118,307,263-118,307,271); duplicating any one gives the same sequence. VCF-style (leftmost placement, unchanged base first): chr11-118307262-C-CT. GRCh37 (hg19) VCF-style: chr11-118177977-C-CT.
Other names: c.50-17dupT (NM_000733.4).
Identifiers: ClinVar variation 4848022 (VCV004848022.1).